The following is an entry in ClinVar:

ClinVar aggregate classification (germline): Pathogenic (1 of 4 stars; one submission).

Submission:

Quest Diagnostics Nichols Institute San Juan Capistrano
Classification: Pathogenic. Last evaluated: 2024-02-07. Review status: criteria provided, single submitter. Criteria: ACMG/ClinGen CNV Guidelines, 2019. Collection method: clinical testing. Allele origin: unknown.
Comment: This loss involves several protein-coding genes, including ALX4 (OMIM 605420) and EXT2 (OMIM 608210), and partially overlaps the chromosome 11p11.2 deletion syndromic region (Potocki-Shaffer syndrome; OMIM 601224; ISCA-37441; Trajkova et al., Brain Sci. 2020 Oct 28;10(11):788. PMID: 33126574). Haploinsufficiency of ALX4 and EXT2 is associated with parietal foramina 2 (PFM2; OMIM 609597; HGNC:450) and multiple exostoses type II (EXT2; OMIM 133701; HGNC:3513), respectively. Thus, based on gene count and current medical literature, this copy number variant (CNV) is classified as pathogenic.

GRCh37/hg19 11p13-11.2(chr11:36161425-45287380)x1

Genes: ACCS (1-aminocyclopropane-1-carboxylate synthase homolog (inactive); plus strand), ACCSL (1-aminocyclopropane-1-carboxylate synthase homolog (inactive) like; plus strand), ALKBH3 (alkB homolog 3, alpha-ketoglutarate dependent dioxygenase; plus strand), ALX4 (ALX homeobox 4; minus strand), API5 (apoptosis inhibitor 5; plus strand) and 17 more. Cytogenetic location: 11p13-11.2.
Variant type: copy number loss.
Change: copy number 1 (one copy instead of two) of chr11:36,161,425-45,287,380 (9.13 Mb, GRCh37 coordinates, 1-based), cytogenetic band 11p13-11.2.
Identifiers: ClinVar variation 3391913 (VCV003391913.1).